The following is an entry in ClinVar:

ClinVar aggregate classification (germline): Uncertain significance (0 of 4 stars; one submission).

Submission:

ISCA site 1
Classification: Uncertain significance. Last evaluated: 2011-05-06. Review status: no assertion criteria provided. Collection method: clinical testing. Allele origin: maternal. Affected: yes. Observed: 1 variant allele.
Comment: Copy number variation identified through the course of routine clinical cytogenomic testing in postnatal populations. Clinical assertions have been curated as described in Kaminsky et al. 2011.

Copy number variation identified through the course of routine clinical cytogenomic testing in postnatal populations. Clinical assertions have been curated as described in Kaminsky, et al. 2011 (PubMed 21844811). For additional ClinGen data, please see nstd37.

GRCh38/hg38 8q21.11-21.13(chr8:73962355-74749460)x1

Genes: ELOC (elongin C; minus strand), GDAP1 (ganglioside induced differentiation associated protein 1; plus strand), JPH1 (junctophilin 1; minus strand), LINC03071 (long intergenic non-protein coding RNA 3071; minus strand), LY96 (lymphocyte antigen 96; plus strand) and 18 more. Cytogenetic location: 8q21.11-21.13.
Variant type: copy number loss.
Change: copy number 1 (one copy instead of two) of chr8:73,962,355-74,749,460 (787.1 kb, GRCh38 coordinates, 1-based), cytogenetic band 8q21.11-21.13.
Identifiers: ClinVar variation 58992 (VCV000058992.2).